The following is an entry in ClinVar:

NM_022114.4(PRDM16):c.1385C>G (p.Pro462Arg)

Gene: PRDM16 (PR/SET domain 16; plus strand). Cytogenetic location: 1p36.32.
Variant type: single nucleotide variant.
Coding change: c.1385C>G on transcript NM_022114.4 (MANE Select); coding-DNA position 1385, C replaced by G.
Protein change: p.Pro462Arg; replaces proline 462 with arginine.
Molecular consequence: missense variant.
Genome position (GRCh38, 1-based): chr1:3,411,582, C>G. VCF-style: chr1-3411582-C-G. GRCh37 (hg19) VCF-style: chr1-3328146-C-G.
Other names: c.1385C>G, p.Pro462Arg (NM_199454.3); short protein forms P462R.
Identifiers: ClinVar variation 1948799 (VCV001948799.5), dbSNP rs1643686675, ClinGen allele CA337997206.
Genomic context (GRCh38, chr1:3,411,582, plus strand): 5'-GGCGCTTCTGCGAGGGCAAGAACCATTACACGCCGGGCGGCATCTTTGCCCCGGGCCTGC[C>G]CTTGACCCCCAGCCCCATGATGGACAAGGCAAAACCCTCCCCCAGCCTCAATCACGCCAG-3'
Protein context (NP_071397.3, residues 452-472): TPGGIFAPGL[Pro462Arg]LTPSPMMDKA

ClinVar aggregate classification (germline): Uncertain significance (1 of 4 stars; one submission).

Conditions:
Left ventricular noncompaction 8 (LVNC8). Identifiers: Orphanet 154, Orphanet 54260, MedGen C3809288, MONDO:0014152, OMIM 615373.

Allele frequency attached by ClinVar (database versions not stated): TOPMed below 0.00001.
gnomAD v4.1: 1 of 1,613,952 alleles (0.000062%); no homozygotes.

Submission:

Labcorp Genetics (formerly Invitae), Labcorp
Classification: Uncertain significance for Left ventricular noncompaction 8. Last evaluated: 2022-02-05. Review status: criteria provided, single submitter. Criteria: Invitae Variant Classification Sherloc (09022015). Collection method: clinical testing. Allele origin: germline.
Comment: In summary, the available evidence is currently insufficient to determine the role of this variant in disease. Therefore, it has been classified as a Variant of Uncertain Significance. Algorithms developed to predict the effect of missense changes on protein structure and function (SIFT, PolyPhen-2, Align-GVGD) all suggest that this variant is likely to be disruptive. This variant has not been reported in the literature in individuals affected with PRDM16-related conditions. This variant is not present in population databases (gnomAD no frequency). This sequence change replaces proline, which is neutral and non-polar, with arginine, which is basic and polar, at codon 462 of the PRDM16 protein (p.Pro462Arg).